The following is an entry in ClinVar:

ClinVar aggregate classification (germline): Conflicting classifications of pathogenicity. Review status: criteria provided, conflicting classifications (1 of 4 stars). 2 submissions from 2 submitters: Uncertain significance (1); Likely benign (1). Last evaluated 2025-01-01.

Conditions:
Noonan syndrome 9 (NS9). Identifiers: Orphanet 648, MedGen C4225282, MONDO:0014691, OMIM 616559.

Allele frequency attached by ClinVar (database versions not stated): gnomAD exomes below 0.00001.
gnomAD v4.1: 2 of 1,613,906 alleles (0.00012%); highest among the groups gnomAD compares: South Asian, 0.0011%; no homozygotes.

Submissions (2):

CeGaT Center for Human Genetics Tuebingen
Classification: Likely benign. Last evaluated: 2025-01-01. Review status: criteria provided, single submitter. Criteria: CeGaT Center For Human Genetics Tuebingen Variant Classification Criteria Version 2. Collection method: clinical testing. Allele origin: germline. Affected: yes. Observed: 1 variant allele.
Comment: SOS2: BP5

Labcorp Genetics (formerly Invitae), Labcorp
Classification: Uncertain significance for Noonan syndrome 9. Last evaluated: 2023-08-20. Review status: criteria provided, single submitter. Criteria: Invitae Variant Classification Sherloc (09022015). Collection method: clinical testing. Allele origin: germline.
Comment: In summary, the available evidence is currently insufficient to determine the role of this variant in disease. Therefore, it has been classified as a Variant of Uncertain Significance. Advanced modeling of protein sequence and biophysical properties (such as structural, functional, and spatial information, amino acid conservation, physicochemical variation, residue mobility, and thermodynamic stability) performed at Invitae indicates that this missense variant is expected to disrupt SOS2 protein function. This variant has not been reported in the literature in individuals affected with SOS2-related conditions. This variant is not present in population databases (gnomAD no frequency). This sequence change replaces alanine, which is neutral and non-polar, with valine, which is neutral and non-polar, at codon 537 of the SOS2 protein (p.Ala537Val).

NM_006939.4(SOS2):c.1610C>T (p.Ala537Val)

Gene: SOS2 (SOS Ras/Rho guanine nucleotide exchange factor 2; minus strand). Cytogenetic location: 14q21.3.
Variant type: single nucleotide variant.
Coding change: c.1610C>T on transcript NM_006939.4 (MANE Select); coding-DNA position 1610, C replaced by T.
Protein change: p.Ala537Val; replaces alanine 537 with valine.
Molecular consequence: missense variant.
Genome position (GRCh38, 1-based): chr14:50,159,673, G>A on the plus strand (C>T on the coding strand, the complement: SOS2 is on the minus strand). VCF-style: chr14-50159673-G-A. GRCh37 (hg19) VCF-style: chr14-50626391-G-A.
Other names: c.1511C>T, p.Ala504Val (NM_001411020.1); short protein forms A504V, A537V.
Identifiers: ClinVar variation 2754169 (VCV002754169.16), dbSNP rs2502989298, ClinGen allele CA389645369.
Genomic context (GRCh38, chr14:50,159,673, plus strand): 5'-AATAATACTGAATCTAACATTCGATCTAGAGTACTACGATAATGAAGAGAAATAAGGGCT[G>A]CCATCCAGTTGTTTTTTTCTTCAGCAGACTTAGCAGCAAATATTATGCTGTTCTCATCTT-3'
Protein context (NP_008870.2, residues 527-547): KSAEEKNNWM[Ala537Val]ALISLHYRST